The following is an entry in ClinVar:

NM_003072.5(SMARCA4):c.3547-12C>T

Gene: SMARCA4 (SWI/SNF related BAF chromatin remodeling complex subunit ATPase 4; plus strand). Cytogenetic location: 19p13.2.
Variant type: single nucleotide variant.
Coding change: c.3547-12C>T on transcript NM_003072.5 (MANE Select); 12 bases into the intron before coding-DNA position 3547, C replaced by T.
Molecular consequence: intron variant.
Genome position (GRCh38, 1-based): chr19:11,033,278, C>T. VCF-style: chr19-11033278-C-T. GRCh37 (hg19) VCF-style: chr19-11143954-C-T.
Other names: c.3547-12C>T (NM_001128844.3, NM_001128849.3, NM_001128847.4 and 5 more transcripts).
Identifiers: ClinVar variation 2024585 (VCV002024585.5), dbSNP rs931348526, ClinGen allele CA305290373.

ClinVar aggregate classification (germline): Likely benign. Review status: criteria provided, multiple submitters, no conflicts (2 of 4 stars). 2 submissions from 2 submitters: Likely benign (2). Last evaluated 2026-07-07.

Conditions:
Rhabdoid tumor predisposition syndrome 2 (RTPS2). Identifiers: Orphanet 231108, Orphanet 69077, MedGen C2750074, MONDO:0013224, OMIM 613325.

Allele frequency attached by ClinVar (database versions not stated): gnomAD 0.00001.
gnomAD v4.1: 3 of 1,609,026 alleles (0.00019%); highest among the groups gnomAD compares: East Asian, 0.0022%; no homozygotes.

Submissions (2):

Myriad Genetics, Inc.
Classification: Likely benign for Rhabdoid tumor predisposition syndrome 2. Last evaluated: 2026-07-07. Review status: criteria provided, single submitter. Criteria: Myriad Autosomal Dominant, Autosomal Recessive and X-Linked Classification Criteria (2023). Collection method: clinical testing. Allele origin: unknown.
Comment: This variant is considered likely benign. This variant is intronic and is not expected to impact mRNA splicing.

Labcorp Genetics (formerly Invitae), Labcorp
Classification: Likely benign for Rhabdoid tumor predisposition syndrome 2. Last evaluated: 2021-12-02. Review status: criteria provided, single submitter. Criteria: Invitae Variant Classification Sherloc (09022015). Collection method: clinical testing. Allele origin: germline.